The following is an entry in ClinVar:

ClinVar aggregate classification (germline): Uncertain significance (1 of 4 stars; one submission).

Conditions:
Glycogen storage disease IXb (GSD9B). Also called: PHOSPHORYLASE KINASE DEFICIENCY OF LIVER AND MUSCLE, AUTOSOMAL RECESSIVE; GLYCOGENOSIS OF LIVER AND MUSCLE, AUTOSOMAL RECESSIVE; GSD IXb. Identifiers: Orphanet 79240, MedGen C0543514, MONDO:0009868, OMIM 261750.

gnomAD v4.1: 17 of 1,613,928 alleles (0.0011%); highest among the groups gnomAD compares: South Asian, 0.019%; no homozygotes.

Submission:

Labcorp Genetics (formerly Invitae), Labcorp
Classification: Uncertain significance for Glycogen storage disease IXb. Last evaluated: 2025-10-01. Review status: criteria provided, single submitter. Criteria: Invitae Variant Classification Sherloc (09022015). Collection method: clinical testing. Allele origin: germline.
Comment: This sequence change replaces lysine, which is basic and polar, with asparagine, which is neutral and polar, at codon 720 of the PHKB protein (p.Lys720Asn). This variant is present in population databases (rs774334485, gnomAD 0.01%). This variant has not been reported in the literature in individuals affected with PHKB-related conditions. An algorithm developed to predict the effect of missense changes on protein structure and function (PolyPhen-2) suggests that this variant is likely to be tolerated. In summary, the available evidence is currently insufficient to determine the role of this variant in disease. Therefore, it has been classified as a Variant of Uncertain Significance.

NM_000293.3(PHKB):c.2160G>C (p.Lys720Asn)

Gene: PHKB (phosphorylase kinase regulatory subunit beta; plus strand). Cytogenetic location: 16q12.1.
Variant type: single nucleotide variant.
Coding change: c.2160G>C on transcript NM_000293.3 (MANE Select); coding-DNA position 2160, G replaced by C.
Protein change: p.Lys720Asn; replaces lysine 720 with asparagine.
Molecular consequence: missense variant.
Genome position (GRCh38, 1-based): chr16:47,660,783, G>C. VCF-style: chr16-47660783-G-C. GRCh37 (hg19) VCF-style: chr16-47694694-G-C.
Other names: c.2139G>C, p.Lys713Asn (NM_001031835.3); c.2160G>C, p.Lys720Asn (NM_001363837.1); short protein forms K713N, K720N.
Identifiers: ClinVar variation 4751868 (VCV004751868.1).
Genomic context (GRCh38, chr16:47,660,783, plus strand): 5'-CAGCACCCCTAGTGCTCCTGAACTGGGACAGCAGCCGGATGTCAACATTAGTGAATGGAA[G>C]GACAAACCCACCCACGAAATTCTTCAAAAACTGAATGTGAGACAGATGCACTTCCCACAT-3'
Protein context (NP_000284.1, residues 710-730): QQPDVNISEW[Lys720Asn]DKPTHEILQK